The following is an entry in ClinVar:

ClinVar aggregate classification (germline): Uncertain significance (1 of 4 stars; one submission).

Submission:

Labcorp Genetics (formerly Invitae), Labcorp
Classification: Uncertain significance. Last evaluated: 2025-01-23. Review status: criteria provided, single submitter. Criteria: Invitae Variant Classification Sherloc (09022015). Collection method: clinical testing. Allele origin: germline.
Comment: This sequence change replaces leucine, which is neutral and non-polar, with proline, which is neutral and non-polar, at codon 4021 of the RNF213 protein (p.Leu4021Pro). This variant is not present in population databases (gnomAD no frequency). This variant has not been reported in the literature in individuals affected with RNF213-related conditions. Invitae Evidence Modeling of protein sequence and biophysical properties (such as structural, functional, and spatial information, amino acid conservation, physicochemical variation, residue mobility, and thermodynamic stability) indicates that this missense variant is not expected to disrupt RNF213 protein function with a negative predictive value of 95%. In summary, the available evidence is currently insufficient to determine the role of this variant in disease. Therefore, it has been classified as a Variant of Uncertain Significance.

NM_001256071.3(RNF213):c.12062T>C (p.Leu4021Pro)

Genes: RNF213 (ring finger protein 213; plus strand), RNF213-AS1 (RNF213 antisense RNA 1; minus strand). Cytogenetic location: 17q25.3.
Variant type: single nucleotide variant.
Coding change: c.12062T>C on transcript NM_001256071.3 (MANE Select); coding-DNA position 12062, T replaced by C.
Protein change: p.Leu4021Pro; replaces leucine 4021 with proline.
Molecular consequence: missense variant.
Genome position (GRCh38, 1-based): chr17:80,368,050, T>C. VCF-style: chr17-80368050-T-C. GRCh37 (hg19) VCF-style: chr17-78341850-T-C.
Other names: c.12209T>C, p.Leu4070Pro (NM_001410195.1, NM_020914.5); short protein forms L4021P, L4070P.
Identifiers: ClinVar variation 3720554 (VCV003720554.2).
Genomic context (GRCh38, chr17:80,368,050, plus strand): 5'-TGGGAGATGCAAAGGACCCCGTCTGTCTGCCCTGCGACCACGTGCACTGCCTGCGCTGCC[T>C]CAGGGCCTGGTTTGCCTCAGAGCAGATGATATGCCCCTACTGTTTAACTGCCTTGCCAGA-3'
Protein context (NP_001243000.2, residues 4011-4031): PCDHVHCLRC[Leu4021Pro]RAWFASEQMI